The following is an entry in ClinVar:

NM_000291.4(PGK1):c.929G>A (p.Gly310Asp)

Gene: PGK1 (phosphoglycerate kinase 1; plus strand). Cytogenetic location: Xq21.1.
Variant type: single nucleotide variant.
Coding change: c.929G>A on transcript NM_000291.4 (MANE Select); coding-DNA position 929, G replaced by A.
Protein change: p.Gly310Asp; replaces glycine 310 with aspartic acid.
Molecular consequence: missense variant.
Genome position (GRCh38, 1-based): chrX:78,123,367, G>A. VCF-style: chrX-78123367-G-A. GRCh37 (hg19) VCF-style: chrX-77378864-G-A.
Other names: short protein forms G310D.
Identifiers: ClinVar variation 1488170 (VCV001488170.30), dbSNP rs201238498, ClinGen allele CA331586161.

ClinVar aggregate classification (germline): Conflicting classifications of pathogenicity. Review status: criteria provided, conflicting classifications (1 of 4 stars). 3 submissions from 3 submitters: Uncertain significance (2); Likely benign (1). Last evaluated 2024-06-01.

Conditions:
Glycogen storage disease due to phosphoglycerate kinase 1 deficiency. Also called: PHOSPHOGLYCERATE KINASE 1 DEFICIENCY WITH LEVO-DOPA-RESPONSIVE PARKINSONISM; PGK1 DEFICIENCY. Identifiers: Orphanet 713, MedGen C1970848, MONDO:0010392, OMIM 300653.

Allele frequency attached by ClinVar (database versions not stated): gnomAD exomes 0.00001; gnomAD 0.00002; TOPMed 0.00002.
gnomAD v4.1: 14 of 1,202,613 alleles (0.0012%); highest among the groups gnomAD compares: Non-Finnish European, 0.0016%; no homozygotes.

Submissions (3):

CeGaT Center for Human Genetics Tuebingen
Classification: Likely benign. Last evaluated: 2024-06-01. Review status: criteria provided, single submitter. Criteria: CeGaT Center For Human Genetics Tuebingen Variant Classification Criteria Version 2. Collection method: clinical testing. Allele origin: germline. Affected: yes. Observed: 2 variant alleles.
Comment: PGK1: PP3, BS2

Fulgent Genetics
Classification: Uncertain significance for Glycogen storage disease due to phosphoglycerate kinase 1 deficiency. Last evaluated: 2024-02-10. Review status: criteria provided, single submitter. Criteria: ACMG Guidelines, 2015. Collection method: clinical testing. Allele origin: germline.

Labcorp Genetics (formerly Invitae), Labcorp
Classification: Uncertain significance. Last evaluated: 2024-01-29. Review status: criteria provided, single submitter. Criteria: Invitae Variant Classification Sherloc (09022015). Collection method: clinical testing. Allele origin: germline.
Comment: This sequence change replaces glycine, which is neutral and non-polar, with aspartic acid, which is acidic and polar, at codon 310 of the PGK1 protein (p.Gly310Asp). The frequency data for this variant in the population databases is considered unreliable, as metrics indicate poor data quality at this position in the gnomAD database. This variant has not been reported in the literature in individuals affected with PGK1-related conditions. ClinVar contains an entry for this variant (Variation ID: 1488170). Advanced modeling of protein sequence and biophysical properties (such as structural, functional, and spatial information, amino acid conservation, physicochemical variation, residue mobility, and thermodynamic stability) performed at Invitae indicates that this missense variant is not expected to disrupt PGK1 protein function with a negative predictive value of 80%. In summary, the available evidence is currently insufficient to determine the role of this variant in disease. Therefore, it has been classified as a Variant of Uncertain Significance.